The following is an entry in ClinVar:

NM_014365.3(HSPB8):c.562del (p.Gln188fs)

Gene: HSPB8 (heat shock protein family B (small) member 8; plus strand). Cytogenetic location: 12q24.23.
Variant type: Deletion.
Coding change: c.562del on transcript NM_014365.3 (MANE Select); coding-DNA position 562, one base deleted (C; older notation c.562delC).
Protein change: p.Gln188fs; shifts the reading frame from glutamine 188.
Molecular consequence: frameshift variant.
Genome position (GRCh38, 1-based): chr12:119,193,829, C deleted; the last of 4 consecutive C bases (chr12:119,193,826-119,193,829); deleting any one gives the same sequence. VCF-style (leftmost placement, unchanged base first): chr12-119193825-TC-T. GRCh37 (hg19) VCF-style: chr12-119631630-TC-T.
Other names: short protein forms Q188fs.
Identifiers: ClinVar variation 977157 (VCV000977157.4), dbSNP rs1954727678, ClinGen allele CA916079830.

ClinVar aggregate classification (germline): Pathogenic/Likely pathogenic. Review status: criteria provided, multiple submitters, no conflicts (2 of 4 stars). 3 submissions from 3 submitters: Pathogenic (1); Likely pathogenic (2). Last evaluated 2024-10-18.

Conditions:
Neuronopathy, distal hereditary motor, type 2A. Also called: CHARCOT-MARIE-TOOTH DISEASE, SPINAL, IIA; NEURONOPATHY, DISTAL HEREDITARY MOTOR, AUTOSOMAL DOMINANT 2; NEURONOPATHY, DISTAL HEREDITARY MOTOR, HARDING TYPE IIA; NEUROPATHY, DISTAL HEREDITARY MOTOR, HARDING TYPE IIA; SPINAL MUSCULAR ATROPHY, DISTAL, ADULT, AUTOSOMAL DOMINANT, HARDING TYPE IIA; HMN IIA. Identifiers: Orphanet 139525, MedGen C1834692, MONDO:0008025, OMIM 158590.
Myopathy, myofibrillar, 13, with rimmed vacuoles. Also called: RIMMED VACUOLAR MYOPATHY; Autosomal dominant distal axonal motor neuropathy-myofibrillar myopathy syndrome. Identifiers: Orphanet 476093, MedGen C5568137, MONDO:0976133, OMIM 621078.
HSPB8-related neuromuscular disorder.

Submissions (3):

Rare Disease Medical Center, Peking University
Classification: Pathogenic for Myopathy, myofibrillar, 13, with rimmed vacuoles. Last evaluated: 2024-10-18. Review status: criteria provided, single submitter. Criteria: ACMG Guidelines, 2015. Collection method: clinical testing. Allele origin: de novo. Inheritance: Autosomal dominant inheritance. Affected: yes.
Comment: Mutations in 19 different genes, including HSPB8, have been identified as causes of MFM(Li et al. 2024). Recent studies have confirmed MFM is the predominant phenotype of frameshit mutations in HSPB8(Echaniz-Laguna et al. 2017; Al-Tahan et al. 2019; Nicolau et al. 2020; Inoue-Shibui et al. 2021; Tedesco et al. 2023; Cortese et al. 2018; Ghaoui et al. 2016). These mutations lead to a C-terminal extension of HSPB8 and disrupt the chaperone-assisted selective autophagy mechanism, resulting in proteostasis failure and the accumulation of misfolded proteins(Tedesco et al. 2023). So we think the c.562delC variant in the HSPB8 gene meets the criteria of ACMG Guidelines to be classified as pathogenic.

Illumina Laboratory Services, Illumina
Classification: Likely pathogenic for HSPB8-related neuromuscular disorder. Last evaluated: 2021-09-24. Review status: criteria provided, single submitter. Criteria: ICSLVariantClassificationCriteria RUGD 01 April 2020. Collection method: clinical testing. Allele origin: unknown.
Comment: The HSPB8 c.562delC p.(Gln188ArgfsTer59) variant causes a shift in the protein reading frame that is predicted to result in premature termination of the protein. Loss of normal protein function through either protein truncation or nonsense-mediated mRNA decay is expected. This variant has been identified in an individual with an unspecified neuromuscular disorder (Töpf et al. 2020). Several other frameshift variants have been reported nearby in variably affected individuals from multiple unrelated families in which the variants either segregated with disease or occurred de novo (Ghaoui et al. 2016; Echaniz-Laguna et al. 2017; Al-Tahan et al. 2019; Nicolau et al. 2020; Inoue-Shibui et al. 2021). This variant is not observed in version 2.1.1 or version 3.1.2 of the Genome Aggregation Database. Based on the collective evidence the c.562delC p.(Gln188ArgfsTer59) is classified as a likely pathogenic variant for HSPB8-related neuromuscular disorder.

Broad Center for Mendelian Genomics, Broad Institute of MIT and Harvard
Classification: Likely pathogenic for Neuronopathy, distal hereditary motor, type 2A. Last evaluated: 2020-05-29. Review status: criteria provided, single submitter. Criteria: ACMG Guidelines, 2015. Collection method: research. Allele origin: germline. Inheritance: Autosomal dominant inheritance.
Comment: Trio exome analysis showed this variant to be de novo. The variant in HSPB8 has not been previously reported in individuals with distal hereditary motor neuropathy type 2A and this variant was absent from large population studies. This variant is predicted to cause a frameshift, which alters the proteinâ€™s amino acid sequence beginning at position 188 and leads to a premature termination codon 59 amino acids downstream. This termination codon occurs beyond the last exon and is more likely to escape nonsense mediated decay (NMD) and result in a lengthened protein. It is of note that loss of function of HSPB8 in an autosomal dominant disease has not yet been established based on the criteria laid out in Tayoun, 2018 (PMID: 30192042). In summary, although additional studies are required to fully establish its clinical significance, this variant is likely pathogenic. ACMG/AMP Criteria applied: PM2, PS2 (Richards 2015).